The following is an entry in ClinVar:

NM_007347.5(AP4E1):c.133G>A (p.Ala45Thr)

Gene: AP4E1 (adaptor related protein complex 4 subunit epsilon 1; plus strand). Cytogenetic location: 15q21.2.
Variant type: single nucleotide variant.
Coding change: c.133G>A on transcript NM_007347.5 (MANE Select); coding-DNA position 133, G replaced by A.
Protein change: p.Ala45Thr; replaces alanine 45 with threonine.
Molecular consequence: missense variant. On other transcripts: 5 prime UTR variant (1).
Genome position (GRCh38, 1-based): chr15:50,908,911, G>A. VCF-style: chr15-50908911-G-A. GRCh37 (hg19) VCF-style: chr15-51201108-G-A.
Other names: c.-116G>A (NM_001252127.2); short protein forms A45T.
Identifiers: ClinVar variation 392434 (VCV000392434.7), dbSNP rs151135245, ClinGen allele CA7558649.

ClinVar aggregate classification (germline): Uncertain significance. Review status: criteria provided, multiple submitters, no conflicts (2 of 4 stars). 2 submissions from 2 submitters: Uncertain significance (2). Last evaluated 2024-05-22.

Conditions:
Spastic paraplegia. Identifiers: MedGen C0037772, HP:0001258.

Allele frequency attached by ClinVar (database versions not stated): gnomAD 0.00004 and 0.00006; TOPMed 0.00006.
gnomAD v4.1: 95 of 1,610,816 alleles (0.0059%); highest among the groups gnomAD compares: Non-Finnish European, 0.0077%; no homozygotes.

Submissions (2):

Labcorp Genetics (formerly Invitae), Labcorp
Classification: Uncertain significance for Spastic paraplegia. Last evaluated: 2024-05-22. Review status: criteria provided, single submitter. Criteria: Invitae Variant Classification Sherloc (09022015). Collection method: clinical testing. Allele origin: germline.
Comment: This sequence change replaces alanine, which is neutral and non-polar, with threonine, which is neutral and polar, at codon 45 of the AP4E1 protein (p.Ala45Thr). This variant is present in population databases (rs151135245, gnomAD 0.01%). This variant has not been reported in the literature in individuals affected with AP4E1-related conditions. ClinVar contains an entry for this variant (Variation ID: 392434). An algorithm developed to predict the effect of missense changes on protein structure and function (PolyPhen-2) suggests that this variant¬†is likely to be tolerated. In summary, the available evidence is currently insufficient to determine the role of this variant in disease. Therefore, it has been classified as a Variant of Uncertain Significance.

GeneDx
Classification: Uncertain significance. Last evaluated: 2017-01-05. Review status: criteria provided, single submitter. Criteria: GeneDx Variant Classification (06012015). Collection method: clinical testing. Allele origin: germline. Affected: yes.
Comment: A variant of uncertain significance has been identified in the AP4E1 gene. The A45T variant has not been published as a pathogenic variant, nor has it been reported as a benign variant to our knowledge. The A45T variant is not observed at a significant frequency in large population cohorts (Lek et al., 2016; 1000 Genomes Consortium et al., 2015; Exome Variant Server). The A45T variant is a non-conservative amino acid substitution, which is likely to impact secondary protein structure as these residues differ in polarity, charge, size and/or other properties. However, this substitution occurs at a position that is not conserved. In silico analysis is inconsistent in its predictions as to whether or not the variant is damaging to the protein structure/function. Therefore, based on the currently available information, it is unclear whether this variant is a pathogenic variant or a rare benign variant.